The following is an entry in ClinVar:

NM_000048.4(ASL):c.280_281insTGAAG (p.Arg94fs)

Gene: ASL (argininosuccinate lyase; plus strand). Cytogenetic location: 7q11.21.
Variant type: Insertion.
Coding change: c.280_281insTGAAG on transcript NM_000048.4 (MANE Select); coding-DNA positions 280 to 281, TGAAG inserted.
Protein change: p.Arg94fs; shifts the reading frame from arginine 94.
Molecular consequence: frameshift variant.
Genome position: GRCh38 VCF-style: chr7-66082440-C-CTGAAG. GRCh37 (hg19) VCF-style: chr7-65547427-C-CTGAAG.
Other names: c.280_281insTGAAG, p.Arg94fs (NM_001024943.2, NM_001024944.2, NM_001024946.2); short protein forms R94fs.
Identifiers: ClinVar variation 2123808 (VCV002123808.5), dbSNP rs2484995776, ClinGen allele CA2580077296.

ClinVar aggregate classification (germline): Pathogenic (1 of 4 stars; one submission).

Conditions:
Argininosuccinate lyase deficiency. Also called: ARGININOSUCCINIC ACID LYASE DEFICIENCY; ASL DEFICIENCY; Argininosuccinic aciduria. Identifiers: Orphanet 23, MedGen C0268547, MONDO:0008815, OMIM 207900, HP:0025630.

Allele frequency attached by ClinVar (database versions not stated): gnomAD exomes below 0.00001; gnomAD 0.00001.

Submission:

Labcorp Genetics (formerly Invitae), Labcorp
Classification: Pathogenic for Argininosuccinate lyase deficiency. Last evaluated: 2022-08-06. Review status: criteria provided, single submitter. Criteria: Invitae Variant Classification Sherloc (09022015). Collection method: clinical testing. Allele origin: germline.
Comment: For these reasons, this variant has been classified as Pathogenic. This variant has not been reported in the literature in individuals affected with ASL-related conditions. This variant is not present in population databases (gnomAD no frequency). This sequence change creates a premature translational stop signal (p.Arg94Leufs*5) in the ASL gene. It is expected to result in an absent or disrupted protein product. Loss-of-function variants in ASL are known to be pathogenic (PMID: 2263616, 24166829).

Literature cited by the submitters: PubMed 2263616; PubMed 24166829.